The following is an entry in ClinVar:

NM_018192.4(P3H2):c.313G>A (p.Ala105Thr)

Genes: P3H2 (prolyl 3-hydroxylase 2; minus strand), LOC129938149 (ATAC-STARR-seq lymphoblastoid silent region 14999; plus strand). Cytogenetic location: 3q28.
Variant type: single nucleotide variant.
Coding change: c.313G>A on transcript NM_018192.4 (MANE Select); coding-DNA position 313, G replaced by A.
Protein change: p.Ala105Thr; replaces alanine 105 with threonine.
Molecular consequence: missense variant. On other transcripts: intron variant (1).
Genome position (GRCh38, 1-based): chr3:190,120,419, C>T on the plus strand (G>A on the coding strand, the complement: P3H2 is on the minus strand). VCF-style: chr3-190120419-C-T. GRCh37 (hg19) VCF-style: chr3-189838208-C-T.
Other names: c.-64+1784G>A (NM_001134418.2); short protein forms A105T.
Identifiers: ClinVar variation 1165195 (VCV001165195.12), dbSNP rs200308609, ClinGen allele CA2753393.

ClinVar aggregate classification (germline): Benign/Likely benign. Review status: criteria provided, multiple submitters, no conflicts (2 of 4 stars). 4 submissions from 4 submitters: Benign (1); Likely benign (2). 1 of the submissions does not count toward it. Last evaluated 2026-01-26.

Conditions:
P3H2-related disorder. Also called: P3H2-related condition.

Allele frequency attached by ClinVar (database versions not stated): 1000 Genomes Project 30x 0.00078; 1000 Genomes Project 0.00080; ESP Exome Variant Server 0.00145.
gnomAD v4.1: 3,371 of 1,477,910 alleles (0.23%); highest among the groups gnomAD compares: Non-Finnish European, 0.27%; 7 homozygotes.

Submissions (4):

Labcorp Genetics (formerly Invitae), Labcorp
Classification: Benign. Last evaluated: 2026-01-26. Review status: criteria provided, single submitter. Criteria: Invitae Variant Classification Sherloc (09022015). Collection method: clinical testing. Allele origin: germline.

Blueprint Genetics
Classification: Likely benign. Last evaluated: 2024-11-21. Review status: criteria provided, single submitter. Criteria: ACMG Guidelines, 2015. Collection method: clinical testing. Allele origin: germline.

GeneDx
Classification: Likely benign. Last evaluated: 2019-11-22. Review status: criteria provided, single submitter. Criteria: GeneDx Variant Classification Process June 2021. Collection method: clinical testing. Allele origin: germline. Affected: yes.

PreventionGenetics, part of Exact Sciences
Classification: Likely benign for P3H2-related condition. Last evaluated: 2023-01-19. Review status: no assertion criteria provided. Collection method: clinical testing. Allele origin: germline. Not counted in ClinVar's aggregate classification.
Comment: This variant is classified as likely benign based on ACMG/AMP sequence variant interpretation guidelines (Richards et al. 2015 PMID: 25741868, with internal and published modifications).